The following is an entry in ClinVar:

NM_014336.5(AIPL1):c.420G>A (p.Leu140=)

Gene: AIPL1 (AIP like 1 HSP90 co-chaperone; minus strand). Cytogenetic location: 17p13.2.
Variant type: single nucleotide variant.
Coding change: c.420G>A on transcript NM_014336.5 (MANE Select); coding-DNA position 420, G replaced by A.
Protein change: p.Leu140=; no amino-acid change (leucine 140 retained).
Molecular consequence: synonymous variant. On other transcripts: intron variant (1).
Genome position (GRCh38, 1-based): chr17:6,428,363, C>T on the plus strand (G>A on the coding strand, the complement: AIPL1 is on the minus strand). VCF-style: chr17-6428363-C-T. GRCh37 (hg19) VCF-style: chr17-6331683-C-T.
Other names: c.240G>A, p.Leu80= (NM_001033055.3); c.384G>A, p.Leu128= (NM_001285399.3); c.354G>A, p.Leu118= (NM_001285400.3); c.420G>A, p.Leu140= (NM_001285401.3, NM_001285403.4); c.303G>A, p.Leu101= (NM_001285402.2); c.277-1306G>A (NM_001033054.3); c.420G>A (NM_014336.4).
Identifiers: ClinVar variation 2910561 (VCV002910561.6), dbSNP rs771211396, ClinGen allele CA8328517.

ClinVar aggregate classification (germline): Likely benign. Review status: criteria provided, multiple submitters, no conflicts (2 of 4 stars). 3 submissions from 3 submitters: Likely benign (2). 1 of the submissions does not count toward it. Last evaluated 2024-09-10.

Conditions:
AIPL1-related disorder. Also called: AIPL1-related disorders; AIPL1-related condition. Identifiers: MedGen CN239169.
Leber congenital amaurosis 4 (LCA4). Identifiers: MedGen C1858386, MONDO:0011458, OMIM 604393.

Allele frequency attached by ClinVar (database versions not stated): gnomAD exomes 0.00001; ExAC 0.00002; TOPMed 0.00002.
gnomAD v4.1: 17 of 1,611,954 alleles (0.0011%); highest among the groups gnomAD compares: Middle Eastern, 0.033%; no homozygotes.

Submissions (3):

Blueprint Genetics
Classification: Likely benign. Last evaluated: 2024-09-10. Review status: criteria provided, single submitter. Criteria: ACMG Guidelines, 2015. Collection method: clinical testing. Allele origin: germline.

Labcorp Genetics (formerly Invitae), Labcorp
Classification: Likely benign for Leber congenital amaurosis 4. Last evaluated: 2024-03-14. Review status: criteria provided, single submitter. Criteria: Invitae Variant Classification Sherloc (09022015). Collection method: clinical testing. Allele origin: germline.

PreventionGenetics, part of Exact Sciences
Classification: Likely benign for AIPL1-related condition. Last evaluated: 2019-05-01. Review status: no assertion criteria provided. Collection method: clinical testing. Allele origin: germline. Not counted in ClinVar's aggregate classification.
Comment: This variant is classified as likely benign based on ACMG/AMP sequence variant interpretation guidelines (Richards et al. 2015 PMID: 25741868, with internal and published modifications).